The following is an entry in ClinVar:

NM_017617.5(NOTCH1):c.4461G>C (p.Trp1487Cys)

Gene: NOTCH1 (notch receptor 1; minus strand). Cytogenetic location: 9q34.3.
Variant type: single nucleotide variant.
Coding change: c.4461G>C on transcript NM_017617.5 (MANE Select); coding-DNA position 4461, G replaced by C.
Protein change: p.Trp1487Cys; replaces tryptophan 1487 with cysteine.
Molecular consequence: missense variant.
Genome position (GRCh38, 1-based): chr9:136,505,435, C>G on the plus strand (G>C on the coding strand, the complement: NOTCH1 is on the minus strand). VCF-style: chr9-136505435-C-G. GRCh37 (hg19) VCF-style: chr9-139399887-C-G.
Other names: short protein forms W1487C.
Identifiers: ClinVar variation 3371942 (VCV003371942.1).

ClinVar aggregate classification (germline): Uncertain significance (1 of 4 stars; one submission).

Submission:

GeneDx
Classification: Uncertain significance. Last evaluated: 2024-04-02. Review status: criteria provided, single submitter. Criteria: GeneDx Variant Classification Process June 2021. Collection method: clinical testing. Allele origin: germline. Affected: yes.
Comment: Not observed at significant frequency in large population cohorts (gnomAD); In silico analysis supports that this missense variant has a deleterious effect on protein structure/function; Has not been previously published as pathogenic or benign to our knowledge